The following is an entry in ClinVar:

ClinVar aggregate classification (germline): not provided (0 of 4 stars; one submission).

Allele frequency attached by ClinVar (database versions not stated): gnomAD 0.00341 and 0.00550; TOPMed 0.00376; 1000 Genomes Project 30x 0.01468; 1000 Genomes Project 0.01498.
gnomAD v4.1: 851 of 152,070 alleles (0.56%); highest among the groups gnomAD compares: South Asian, 7.3%; 12 homozygotes.

Submission:

Human Evolutionary Genetics, Institut Pasteur
No classification provided. Review status: no classification provided. Collection method: not provided. Allele origin: germline.
ClinVar note: Converted during submission from untested to not provided.

NM_001276700.2(NLRP6):c.2105+362T>C

Gene: NLRP6 (NLR family pyrin domain containing 6; plus strand). Cytogenetic location: 11p15.5.
Variant type: single nucleotide variant.
Coding change: c.2105+362T>C on transcript NM_001276700.2 (MANE Select); 362 bases into the intron after coding-DNA position 2105, T replaced by C.
Molecular consequence: intron variant.
Genome position (GRCh38, 1-based): chr11:282,201, T>C. VCF-style: chr11-282201-T-C. GRCh37 (hg19) VCF-style: chr11-282201-T-C.
Other names: c.2105+362T>C (NM_138329.2).
Identifiers: ClinVar variation 103238 (VCV000103238.2), dbSNP rs199475813, ClinGen allele CA230302.